The following is an entry in ClinVar:

ClinVar aggregate classification (germline): Conflicting classifications of pathogenicity. Review status: criteria provided, conflicting classifications (1 of 4 stars). 3 submissions from 3 submitters: Uncertain significance (1); Likely benign (2). Last evaluated 2025-05-15.

Conditions:
KCNV2-related disorder. Also called: KCNV2-related condition.
Cone dystrophy with supernormal rod response (CDSRR). Also called: CONE DYSTROPHY WITH SUPERNORMAL ROD RESPONSES. Identifiers: Orphanet 209932, MedGen C1835897, MONDO:0012475, OMIM 610356.

Allele frequency attached by ClinVar (database versions not stated): gnomAD exomes 0.00001 and 0.00005; TOPMed 0.00002; gnomAD 0.00003 and 0.00004.

Submissions (3):

PreventionGenetics, part of Exact Sciences
Classification: Likely benign for KCNV2-related condition. Last evaluated: 2025-05-15. Review status: criteria provided, single submitter. Criteria: ACMG Guidelines, 2015. Collection method: clinical testing. Allele origin: germline.
Comment: This variant is classified as likely benign based on ACMG/AMP sequence variant interpretation guidelines (Richards et al. 2015 PMID: 25741868, with internal and published modifications).

Labcorp Genetics (formerly Invitae), Labcorp
Classification: Likely benign. Last evaluated: 2023-07-07. Review status: criteria provided, single submitter. Criteria: Invitae Variant Classification Sherloc (09022015). Collection method: clinical testing. Allele origin: germline.

Illumina Laboratory Services, Illumina
Classification: Uncertain significance for Cone dystrophy with supernormal rod response. Last evaluated: 2018-01-13. Review status: criteria provided, single submitter. Criteria: ICSL Variant Classification Criteria 13 December 2019. Collection method: clinical testing. Allele origin: germline.

NM_133497.4(KCNV2):c.97C>T (p.Leu33=)

Gene: KCNV2 (potassium voltage-gated channel modifier subfamily V member 2; plus strand). Cytogenetic location: 9p24.2.
Variant type: single nucleotide variant.
Coding change: c.97C>T on transcript NM_133497.4 (MANE Select); coding-DNA position 97, C replaced by T.
Protein change: p.Leu33=; no amino-acid change (leucine 33 retained).
Molecular consequence: synonymous variant.
Genome position (GRCh38, 1-based): chr9:2,717,836, C>T. VCF-style: chr9-2717836-C-T. GRCh37 (hg19) VCF-style: chr9-2717836-C-T.
Identifiers: ClinVar variation 366408 (VCV000366408.14), dbSNP rs886063819, ClinGen allele CA10633350.